The following is an entry in ClinVar:

NM_001042492.3(NF1):c.3826C>T (p.Arg1276Ter)

Gene: NF1 (neurofibromin 1; plus strand). Cytogenetic location: 17q11.2.
Variant type: single nucleotide variant.
Coding change: c.3826C>T on transcript NM_001042492.3 (MANE Select); coding-DNA position 3826, C replaced by T.
Protein change: p.Arg1276Ter; replaces arginine 1276 with a stop codon.
Molecular consequence: nonsense.
Genome position (GRCh38, 1-based): chr17:31,235,728, C>T. VCF-style: chr17-31235728-C-T. GRCh37 (hg19) VCF-style: chr17-29562746-C-T.
Other names: c.3826C>T, p.Arg1276Ter (NM_000267.4); short protein forms R1276*.
Identifiers: ClinVar variation 237556 (VCV000237556.89), dbSNP rs199474742, ClinGen allele CA8486236.

ClinVar aggregate classification (germline): Pathogenic. Review status: criteria provided, multiple submitters, no conflicts (2 of 4 stars). 36 submissions from 35 submitters: Pathogenic (31). 5 of the submissions do not count toward it. Last evaluated 2026-04-01.

Conditions:
NF1-related disorder. Also called: NF1-related condition. Identifiers: MedGen CN379171.
Rhabdomyosarcoma. Also called: Rhabdomyosarcoma (disease). Identifiers: Orphanet 780, MedGen C0035412, MeSH D012208, MONDO:0005212, HP:0002859.
Hereditary cancer-predisposing syndrome. Also called: Tumor predisposition; Hereditary Cancer Syndrome; Neoplastic Syndromes, Hereditary; Hereditary neoplastic syndrome. Identifiers: Orphanet 140162, MedGen C0027672, MeSH D009386, MONDO:0015356.
Cardiovascular phenotype. Identifiers: MedGen CN230736.
Café-au-lait macules with pulmonary stenosis (WTSN). Also called: PULMONIC STENOSIS WITH CAFE-AU-LAIT SPOTS. Identifiers: MedGen C0553586, MONDO:0008672, OMIM 193520.
Juvenile myelomonocytic leukemia (JMML). Also called: LEUKEMIA, JUVENILE MYELOMONOCYTIC, SOMATIC. Identifiers: Orphanet 86834, MedGen C0349639, MONDO:0011908, OMIM 607785, HP:0012209.
Neurofibromatosis, type 1 (NF1). Also called: Peripheral type neurofibromatosis; Neurofibromatosis, type I; VON RECKLINGHAUSEN DISEASE; NEUROFIBROMATOSIS, TYPE I, SOMATIC. Identifiers: Orphanet 636, MedGen C0027831, MONDO:0018975, OMIM 162200. Disease mechanism: loss of function.

Allele frequency attached by ClinVar (database versions not stated): gnomAD exomes below 0.00001; ExAC 0.00001; TOPMed 0.00001.

Submissions 1 to 14 of 36:

Ambry Genetics
Classification: Pathogenic for Cardiovascular phenotype; Hereditary cancer-predisposing syndrome. Last evaluated: 2026-04-01. Review status: criteria provided, single submitter. Criteria: Ambry Variant Classification Scheme 2023. Collection method: clinical testing. Allele origin: germline.
Comment: The c.3826C>T (p.R1276*) alteration, located in exon 28 (coding exon 28) of the NF1 gene, consists of a C to T substitution at nucleotide position 3826. This changes the amino acid from a arginine (R) to a stop codon at amino acid position 1276. This variant is expected to result in loss of function by premature protein truncation or nonsense-mediated mRNA decay. Based on data from gnomAD, the T allele has an overall frequency of <0.001% (1/251202) total alleles studied. The highest observed frequency was 0.001% (1/113542) of European (non-Finnish) alleles. This variant was reported in individual(s) with features consistent with neurofibromatosis type 1 (Valero, 2011; Zhang, 2015; Mao, 2018; Melloni, 2019; Sun, 2019; Frayling, 2019). Based on the available evidence, this alteration is classified as pathogenic.

Labcorp Genetics (formerly Invitae), Labcorp
Classification: Pathogenic for Neurofibromatosis, type 1. Last evaluated: 2026-01-13. Review status: criteria provided, single submitter. Criteria: Invitae Variant Classification Sherloc (09022015). Collection method: clinical testing. Allele origin: germline.
Comment: This sequence change creates a premature translational stop signal (p.Arg1276*) in the NF1 gene. It is expected to result in an absent or disrupted protein product. Loss-of-function variants in NF1 are known to be pathogenic (PMID: 10712197, 23913538). This variant is present in population databases (rs199474742, gnomAD 0.0009%). This premature translational stop signal has been observed in individuals with neurofibromatosis type 1 (PMID: 7655472, 10712197, 10862084, 11857752, 16944272, 23668869, 26056819). Invitae Evidence Modeling of clinical and family history, age, sex, and reported ancestry of multiple individuals with this NF1 variant has been performed. This variant is expected to be pathogenic with a positive predictive value of at least 99%. This is a validated machine learning model that incorporates the clinical features of 1,785,918 individuals referred to our laboratory for NF1 testing. ClinVar contains an entry for this variant (Variation ID: 237556). For these reasons, this variant has been classified as Pathogenic.

Institute for Genomic Medicine (IGM) Clinical Laboratory, Nationwide Children's Hospital
Classification: Pathogenic for Neurofibromatosis, type 1. Last evaluated: 2025-10-31. Review status: criteria provided, single submitter. Criteria: ACMG Guidelines, 2015. Collection method: clinical testing. Allele origin: germline.
Comment: This variant is predicted to result in loss of function through nonsense-mediated decay of the encoded transcript or premature truncation of the encoded protein in a gene in which loss of function is a known mechanism of disease (ACMG/AMP: PVS1; PMIDs:10712197, 23913538). This variant has been reported at an elevated frequency in affected individuals/in multiple affected individuals in the literature (ACMG/AMP: PS4; PMIDs:21354044, 23668869, 23758643, 26056819, 29914388, 33372952).

3billion
Classification: Pathogenic for Neurofibromatosis, type 1. Last evaluated: 2025-06-01. Review status: criteria provided, single submitter. Criteria: ACMG Guidelines, 2015. Collection method: clinical testing. Allele origin: germline. Affected: yes.
Comment: The variant is observed at an extremely low frequency in the gnomAD v4.1.0 dataset (total allele frequency: <0.001%). Predicted Consequence/Location: Stop-gained (nonsense): predicted to result in a loss or disruption of normal protein function through nonsense-mediated decay (NMD) or protein truncation. Multiple pathogenic variants are reported downstream of the variant. The variant has been reported at least twice as pathogenic with clinical assertions and evidence for the classification (ClinVar ID: VCV000237556 /PMID: 7655472 /3billion dataset). Therefore, this variant is classified as Pathogenic according to the recommendation of ACMG/AMP guideline.

NHS Central & South Genomic Laboratory Hub
Classification: Pathogenic for Neurofibromatosis type 1. Last evaluated: 2025-04-09. Review status: criteria provided, single submitter. Criteria: ACMG Guidelines, 2015. Collection method: clinical testing. Allele origin: germline. Affected: yes.

Institute of Medical Genetics and Applied Genomics, University Hospital Tübingen
Classification: Pathogenic for Neurofibromatosis, type 1. Last evaluated: 2024-10-30. Review status: criteria provided, single submitter. Criteria: ACMG Guidelines, 2015. Collection method: clinical testing. Allele origin: germline. Inheritance: Autosomal dominant inheritance. Affected: yes.

Molecular Pathology, Peter Maccallum Cancer Centre
Classification: Pathogenic for Neurofibromatosis, type 1. Last evaluated: 2024-10-30. Review status: criteria provided, single submitter. Criteria: ACMG Guidelines, 2015. Collection method: clinical testing. Allele origin: germline. Inheritance: Autosomal dominant inheritance.

Dubai Health Genomic Medicine Center, Dubai Health
Classification: Pathogenic for Watson syndrome. Last evaluated: 2024-10-04. Review status: criteria provided, single submitter. Criteria: ACMG Guidelines, 2015. Collection method: research. Allele origin: germline. Affected: yes.
Comment: PVS1, PS4, PM2, PP4

Genomic Medicine Center of Excellence, King Faisal Specialist Hospital and Research Centre
Classification: Pathogenic for Neurofibromatosis, type 1. Last evaluated: 2024-09-22. Review status: criteria provided, single submitter. Criteria: ACMG Guidelines, 2015. Collection method: clinical testing. Allele origin: germline.

Athena Diagnostics
Classification: Pathogenic. Last evaluated: 2024-06-25. Review status: criteria provided, single submitter. Criteria: Athena Diagnostics Criteria. Collection method: clinical testing. Allele origin: unknown.
Comment: This variant is expected to result in the loss of a functional protein. The frequency of this variant in the general population is consistent with pathogenicity. This variant has been identified in multiple unrelated individuals with clinical features associated with NF1.

ARUP Laboratories, Molecular Genetics and Genomics, ARUP Laboratories
Classification: Pathogenic. Last evaluated: 2024-05-13. Review status: criteria provided, single submitter. Criteria: ARUP Molecular Germline Variant Investigation Process 2024. Collection method: clinical testing. Allele origin: germline.
Comment: The NF1 c.3826C>T; p.Arg1276Ter variant (rs199474742; ClinVar Variation ID: 237556) is reported in the literature in multiple individuals affected with neurofibromatosis type 1 (Fahsold 2000, Griffiths 2007, Kluwe 2002, Valero 2011). This variant is only observed on one allele in the Genome Aggregation Database (v2.1.1), indicating it is not a common polymorphism. This variant induces an early termination codon in exon 28 of 58 and is predicted to result in a truncated protein or mRNA subject to nonsense-mediated decay. Based on available information, this variant is considered to be pathogenic. References: Fahsold R et al. Minor lesion mutational spectrum of the entire NF1 gene does not explain its high mutability but points to a functional domain upstream of the GAP-related domain. Am J Hum Genet. 2000 Mar;66(3):790-818. PMID: 10712197 Griffiths S et al. Molecular diagnosis of neurofibromatosis type 1: 2 years experience. Fam Cancer. 2007;6(1):21-34. PMID: 16944272 Kluwe L et al. NF1 mutations in neurofibromatosis 1 patients with plexiform neurofibromas. Hum Mutat. 2002 Mar;19(3):309. PMID: 11857752 Valero MC et al. A highly sensitive genetic protocol to detect NF1 mutations. J Mol Diagn. 2011 Mar;13(2):113-22. PMID: 21354044

Blueprint Genetics
Classification: Pathogenic for NF1-related disorders. Last evaluated: 2023-12-28. Review status: criteria provided, single submitter. Criteria: ACMG Guidelines, 2015. Collection method: clinical testing. Allele origin: germline. Affected: yes. Observed: 5 variant alleles.

GeneDx
Classification: Pathogenic. Last evaluated: 2023-12-11. Review status: criteria provided, single submitter. Criteria: GeneDx Variant Classification Process June 2021. Collection method: clinical testing. Allele origin: germline. Affected: yes.
Comment: Nonsense variant predicted to result in protein truncation or nonsense mediated decay in a gene for which loss-of-function is a known mechanism of disease; This variant is associated with the following publications: (PMID: 26056819, 34418705, 34694046, 29922827, 34427956, 30530636, 25541118, 24932921, 21354044, 7655472, 10712197, 12095621, 9003501, 10543400, 10862084, 9180088, 11857752, 16944272, 16690971, 17426081, 19142971, 22155606, 22108604, 23668869, 30290804, 29914388, 29566708, 30014477, 29915382, 31370276, 33372952, 31776437, 23207425)

Baylor Genetics
Classification: Pathogenic for Juvenile myelomonocytic leukemia. Last evaluated: 2023-03-20. Review status: criteria provided, single submitter. Criteria: ACMG Guidelines, 2015. Collection method: clinical testing. Allele origin: unknown.